The following is an entry in ClinVar:

ClinVar aggregate classification (germline): Benign/Likely benign. Review status: criteria provided, multiple submitters, no conflicts (2 of 4 stars). 4 submissions from 4 submitters: Benign (2); Likely benign (1). 1 of the submissions does not count toward it. Last evaluated 2024-10-24.

Conditions:
KIF4A-related disorder. Also called: KIF4A-related condition.

Allele frequency attached by ClinVar (database versions not stated): gnomAD 0.00072 and 0.00073; gnomAD exomes 0.00075 and 0.00112; ESP Exome Variant Server 0.00076; TOPMed 0.00089; ExAC 0.00093.

Submissions (4):

Blueprint Genetics
Classification: Likely benign. Last evaluated: 2024-10-24. Review status: criteria provided, single submitter. Criteria: ACMG Guidelines, 2015. Collection method: clinical testing. Allele origin: germline.

Labcorp Genetics (formerly Invitae), Labcorp
Classification: Benign. Last evaluated: 2018-05-08. Review status: criteria provided, single submitter. Criteria: Invitae Variant Classification Sherloc (09022015). Collection method: clinical testing. Allele origin: germline.

Breakthrough Genomics
Classification: Benign. Review status: criteria provided, single submitter. Criteria: ACMG Guidelines, 2015. Collection method: not provided. Allele origin: germline. Inheritance: X-linked inheritance. Affected: yes.

PreventionGenetics, part of Exact Sciences
Classification: Likely benign for KIF4A-related condition. Last evaluated: 2019-02-20. Review status: no assertion criteria provided. Collection method: clinical testing. Allele origin: germline. Not counted in ClinVar's aggregate classification.
Comment: This variant is classified as likely benign based on ACMG/AMP sequence variant interpretation guidelines (Richards et al. 2015 PMID: 25741868, with internal and published modifications).

NM_012310.5(KIF4A):c.462A>G (p.Pro154=)

Gene: KIF4A (kinesin family member 4A; plus strand). Cytogenetic location: Xq13.1.
Variant type: single nucleotide variant.
Coding change: c.462A>G on transcript NM_012310.5 (MANE Select); coding-DNA position 462, A replaced by G.
Protein change: p.Pro154=; no amino-acid change (proline 154 retained).
Molecular consequence: synonymous variant.
Genome position (GRCh38, 1-based): chrX:70,299,148, A>G. VCF-style: chrX-70299148-A-G. GRCh37 (hg19) VCF-style: chrX-69518998-A-G.
Identifiers: ClinVar variation 773102 (VCV000773102.7), dbSNP rs61748977, ClinGen allele CA10440994.